The following is an entry in ClinVar:

ClinVar aggregate classification (germline): Conflicting classifications of pathogenicity. Review status: criteria provided, conflicting classifications (1 of 4 stars). 4 submissions from 4 submitters: Uncertain significance (2); Likely benign (2). Last evaluated 2025-12-02.

Conditions:
Hereditary cancer-predisposing syndrome. Also called: Neoplastic Syndromes, Hereditary; Hereditary Cancer Syndrome; Tumor predisposition; Hereditary neoplastic syndrome. Identifiers: Orphanet 140162, MedGen C0027672, MeSH D009386, MONDO:0015356.
Retinoblastoma (RB1). Also called: RETINOBLASTOMA, SOMATIC. Identifiers: Orphanet 790, MedGen C0035335, MeSH D012175, MONDO:0008380, OMIM 180200, HP:0009919. Disease mechanism: loss of function. Inheritance: Both sporadic and heritable forms are tested..

Allele frequency attached by ClinVar (database versions not stated): gnomAD 0.00002 and 0.00003; TOPMed 0.00002.
gnomAD v4.1: 7 of 1,498,688 alleles (0.00047%); highest among the groups gnomAD compares: African/African-American, 0.01%; no homozygotes.

Submissions (4):

Labcorp Genetics (formerly Invitae), Labcorp
Classification: Likely benign for Retinoblastoma. Last evaluated: 2025-12-02. Review status: criteria provided, single submitter. Criteria: Invitae Variant Classification Sherloc (09022015). Collection method: clinical testing. Allele origin: germline.

All of Us Research Program, National Institutes of Health
Classification: Uncertain significance for Retinoblastoma. Last evaluated: 2024-04-16. Review status: criteria provided, single submitter. Criteria: ACMG Guidelines, 2015. Collection method: clinical testing. Allele origin: germline. Inheritance: Autosomal dominant inheritance. Observed: 3 variant alleles, 3 heterozygotes.
Comment: This missense variant replaces proline with arginine at codon 27 of the RB1 protein. Computational prediction suggests that this variant may not impact protein structure and function (internally defined REVEL score threshold <= 0.5, PMID: 27666373). To our knowledge, functional studies have not been reported for this variant. This variant has not been reported in individuals affected with RB1-related disorders in the literature. This variant has been identified in 1/31284 chromosomes in the general population by the Genome Aggregation Database (gnomAD). The available evidence is insufficient to determine the role of this variant in disease conclusively. Therefore, this variant is classified as a Variant of Uncertain Significance.

This study involves interpretation of variants in research participants for the purpose of population health screening. Participant phenotype was not available at the time of variant classification. Additional details can be found in publication PMID: 35346344, PMCID: PMC8962531

Ambry Genetics
Classification: Likely benign for Hereditary cancer-predisposing syndrome. Last evaluated: 2023-03-03. Review status: criteria provided, single submitter. Criteria: Ambry Variant Classification Scheme 2023. Collection method: clinical testing. Allele origin: germline.

Sema4
Classification: Uncertain significance for Hereditary cancer-predisposing syndrome. Last evaluated: 2021-07-02. Review status: criteria provided, single submitter. Criteria: Sema4 Curation Guidelines. Collection method: curation. Allele origin: germline.
Comment: The RB1 c.80C>G (p.P27R) variant has not been reported in the literature to our knowledge. It was observed in 1/8660 chromosomes in the African/African American subpopulation in the large and broad cohorts of the Genome Aggregation Database (PMID: 32461654). The variant has been reported in ClinVar (Variation ID: 943645). In silico tools suggest the impact of the variant on protein function is inconclusive, though these predictions have not been confirmed by functional studies. The evidence is insufficient to meet ACMG/AMP criteria for classifying the variant as benign or pathogenic. Thus, the clinical significance of this variant is currently uncertain.

NM_000321.3(RB1):c.80C>G (p.Pro27Arg)

Gene: RB1 (RB transcriptional corepressor 1; plus strand). Cytogenetic location: 13q14.2.
Variant type: single nucleotide variant.
Coding change: c.80C>G on transcript NM_000321.3 (MANE Select); coding-DNA position 80, C replaced by G.
Protein change: p.Pro27Arg; replaces proline 27 with arginine.
Molecular consequence: missense variant.
Genome position (GRCh38, 1-based): chr13:48,303,992, C>G. VCF-style: chr13-48303992-C-G. GRCh37 (hg19) VCF-style: chr13-48878128-C-G.
Other names: short protein forms P27R.
Identifiers: ClinVar variation 943645 (VCV000943645.12), dbSNP rs925399787, ClinGen allele CA249842029.